The following is an entry in ClinVar:

NM_000152.5(GAA):c.2459_2461del (p.Ala820del)

Gene: GAA (alpha glucosidase; plus strand). Cytogenetic location: 17q25.3.
Variant type: Deletion.
Coding change: c.2459_2461del on transcript NM_000152.5 (MANE Select); coding-DNA positions 2459 to 2461, 3 bases deleted (CTG; older notation c.2459_2461delCTG).
Protein change: p.Ala820del; deletes alanine 820.
Molecular consequence: inframe deletion.
Genome position (GRCh38, 1-based): chr17:80,117,727-80,117,729, CTG deleted; deleting any 3 consecutive bases within chr17:80,117,726-80,117,729 gives the same sequence; the c. name uses the placement nearest the transcript's 3' end. VCF-style (leftmost placement, unchanged base first): chr17-80117725-GGCT-G. GRCh37 (hg19) VCF-style: chr17-78091524-GGCT-G.
Other names: c.2459_2461del (LRG_673t1); c.2459_2461del, p.Ala820del (NM_001079803.3, NM_001079804.3); c.2459_2461delCTG (NM_000152.4); short protein forms A820del.
Identifiers: ClinVar variation 456404 (VCV000456404.10), dbSNP rs1182634884, ClinGen allele CA628018650.
Genomic context (GRCh38, chr17:80,117,725, plus strand): 5'-CAGCGAGGGGCAGTGGGTGACGCTGCCGGCCCCCCTGGACACCATCAACGTCCACCTCCG[GGCT>G]GGGTACATCATCCCCCTGCAGGTACCTGGGCCAGGCGGCTATGGTGGGGGTGTGGACAGC-3'

ClinVar aggregate classification (germline): Conflicting classifications of pathogenicity. Review status: criteria provided, conflicting classifications (1 of 4 stars). 3 submissions from 3 submitters: Likely pathogenic (2); Uncertain significance (1). Last evaluated 2026-07-01.

Conditions:
Glycogen storage disease, type II (IOPD). Also called: GLYCOGENOSIS, GENERALIZED, CARDIAC FORM; GSD II; POMPE DISEASE, INFANTILE-ONSET; GLYCOGEN STORAGE DISEASE II, INFANTILE-ONSET; ACID ALPHA-GLUCOSIDASE DEFICIENCY, INFANTILE-ONSET; GAA DEFICIENCY, INFANTILE-ONSET. Identifiers: Orphanet 365, MedGen C0017921, MONDO:0009290, OMIM 232300.

Submissions (3):

Genomenon, Inc
Classification: Likely pathogenic for Glycogen storage disease, type II. Last evaluated: 2026-07-01. Review status: criteria provided, single submitter. Criteria: Genomenon Sequence Variant Interpretation Standards - Updated. Collection method: curation. Allele origin: germline. Affected: yes.
Comment: GAA p.Ala820del (c.2459_2461del) is an in-frame deletion that results in the loss of Alanine at codon 820. This variant has been observed in at least one proband with a GAA-related disorder in the compound heterozygous and/or homozygous state (PMID:33073003;35123877;29122469). It is absent or not present at a significant frequency in gnomAD. In conclusion, we classify GAA p.Ala820del (c.2459_2461del) as a likely pathogenic variant.

Labcorp Genetics (formerly Invitae), Labcorp
Classification: Uncertain significance for Glycogen storage disease, type II. Last evaluated: 2026-01-20. Review status: criteria provided, single submitter. Criteria: Invitae Variant Classification Sherloc (09022015). Collection method: clinical testing. Allele origin: germline.
Comment: This variant, c.2459_2461del, results in the deletion of 1 amino acid(s) of the GAA protein (p.Ala820del), but otherwise preserves the integrity of the reading frame. This variant is present in population databases (no rsID available, gnomAD 0.007%). This variant has been observed in individual(s) with clinical features of Pompe disease (PMID: 29122469; internal data). ClinVar contains an entry for this variant (Variation ID: 456404). Experimental studies and prediction algorithms are not available or were not evaluated, and the functional significance of this variant is currently unknown. In summary, the available evidence is currently insufficient to determine the role of this variant in disease. Therefore, it has been classified as a Variant of Uncertain Significance.

Natera, Inc.
Classification: Likely pathogenic for Glycogen storage disease type II. Last evaluated: 2024-03-08. Review status: criteria provided, single submitter. Criteria: Natera Variant Classification Schema (03/2026). Collection method: clinical testing. Allele origin: germline.
Comment: The c.2459_2461delCTG variant in GAA is an in-frame deletion predicted to remove alanine at amino acid 820 while preserving the reading frame. This variant is rare in the general population with a frequency below the threshold expected for the associated phenotype(s). This variant has been observed in one or more individuals affected with the associated recessive disease, as either homozygous or compound heterozygous with a second variant (PMID: 29122469, 35123877). This variant results in a change to the protein length while preserving reading frame, which may disrupt normal protein structure or function. Computational prediction algorithms indicate this variant is likely to affect gene or protein function. Given the available evidence, this variant is classified as Likely Pathogenic.

Literature cited by the submitters: PubMed 33073003 (cited by Genomenon, Inc); PubMed 35123877 (cited by Genomenon, Inc and Natera, Inc.); PubMed 29122469 (cited by 3 submitters).